The following is an entry in ClinVar:

ClinVar aggregate classification (germline): Pathogenic/Likely pathogenic. Review status: criteria provided, multiple submitters, no conflicts (2 of 4 stars). 5 submissions from 5 submitters: Pathogenic (3); Likely pathogenic (1). 1 of the submissions does not count toward it. Last evaluated 2025-12-29.

Conditions:
Hereditary cancer-predisposing syndrome. Also called: Hereditary neoplastic syndrome; Hereditary Cancer Syndrome; Tumor predisposition; Neoplastic Syndromes, Hereditary. Identifiers: Orphanet 140162, MedGen C0027672, MeSH D009386, MONDO:0015356.
Familial cancer of breast. Also called: BREAST CANCER, FAMILIAL; Hereditary breast cancer; hereditary breast carcinoma. Identifiers: Orphanet 227535, MedGen C0346153, MONDO:0016419, OMIM 114480. Disease mechanism: loss of function.
Ataxia-telangiectasia syndrome (AT). Also called: ATAXIA-TELANGIECTASIA, FRESNO VARIANT; Ataxia-telangiectasia, complementation group E; Ataxia telangiectasia (A-T); LOUIS-BAR SYNDROME; Ataxia-telangiectasia, complementation group D; AT, COMPLEMENTATION GROUP C. Identifiers: Orphanet 100, MedGen C0004135, MONDO:0008840, OMIM 208900.

Allele frequency attached by ClinVar (database versions not stated): gnomAD exomes below 0.00001 and 0.00001; ExAC 0.00002.

Submissions (5):

Center for Genomic Medicine, Rigshospitalet, Copenhagen University Hospital
Classification: Likely pathogenic. Last evaluated: 2025-12-29. Review status: criteria provided, single submitter. Criteria: ACMG Guidelines, 2015. Collection method: clinical testing. Allele origin: germline.

Myriad Genetics, Inc.
Classification: Pathogenic for Familial cancer of breast. Last evaluated: 2024-01-11. Review status: criteria provided, single submitter. Criteria: Myriad Autosomal Dominant, Autosomal Recessive and X-Linked Classification Criteria (2023). Collection method: clinical testing. Allele origin: unknown.
Comment: This variant is considered pathogenic. This variant creates a frameshift predicted to result in premature protein truncation.

Labcorp Genetics (formerly Invitae), Labcorp
Classification: Pathogenic for Ataxia-telangiectasia syndrome. Last evaluated: 2024-01-08. Review status: criteria provided, single submitter. Criteria: Invitae Variant Classification Sherloc (09022015). Collection method: clinical testing. Allele origin: germline.
Comment: This sequence change creates a premature translational stop signal (p.Leu315Ilefs*2) in the ATM gene. It is expected to result in an absent or disrupted protein product. Loss-of-function variants in ATM are known to be pathogenic (PMID: 23807571, 25614872). This variant is present in population databases (rs768024233, gnomAD 0.002%). This variant has not been reported in the literature in individuals affected with ATM-related conditions. ClinVar contains an entry for this variant (Variation ID: 970408). For these reasons, this variant has been classified as Pathogenic.

Color Diagnostics, LLC DBA Color Health
Classification: Pathogenic for Hereditary cancer-predisposing syndrome. Last evaluated: 2020-07-22. Review status: criteria provided, single submitter. Criteria: ACMG Guidelines, 2015. Collection method: clinical testing. Allele origin: germline.
Comment: This variant deletes 2 nucleotides in exon 8 of the ATM gene, creating a frameshift and premature translation stop signal. This variant is expected to result in an absent or non-functional protein product. To our knowledge, this variant has been reported in individuals affected with hereditary cancer in the literature (communication with external laboratory). This variant has been identified in 2/250900 chromosomes in the general population by the Genome Aggregation Database (gnomAD). Loss of ATM function is a known mechanism of disease. Based on the available evidence, this variant is classified as Pathogenic.

BRCAlab, Lund University
Classification: Pathogenic for Familial cancer of breast. Last evaluated: 2022-08-26. Review status: no assertion criteria provided. Collection method: clinical testing. Allele origin: germline. Affected: yes. Not counted in ClinVar's aggregate classification.

Literature cited by the submitters: PubMed 23807571 (cited by Labcorp Genetics (formerly Invitae), Labcorp); PubMed 25614872 (cited by Labcorp Genetics (formerly Invitae), Labcorp).

NM_000051.4(ATM):c.943_944del (p.Leu315fs)

Gene: ATM (ATM serine/threonine kinase; plus strand). Cytogenetic location: 11q22.3.
Variant type: Deletion.
Coding change: c.943_944del on transcript NM_000051.4 (MANE Select); coding-DNA positions 943 to 944, 2 bases deleted (TT; older notation c.943_944delTT).
Protein change: p.Leu315fs; shifts the reading frame from leucine 315.
Molecular consequence: frameshift variant.
Genome position (GRCh38, 1-based): chr11:108,247,005-108,247,006, TT deleted. VCF-style (leftmost placement, unchanged base first): chr11-108247004-CTT-C. GRCh37 (hg19) VCF-style: chr11-108117731-CTT-C.
Other names: c.943_944del, p.Leu315fs (NM_001351834.2); c.943_944delTT (NM_000051.4); short protein forms L315fs.
Identifiers: ClinVar variation 970408 (VCV000970408.33), dbSNP rs768024233, ClinGen allele CA6264711.
Genomic context (GRCh38, chr11:108,247,004, plus strand): 5'-TTTAATTTTTTGGATTACAGGTGCTTATGAATCAACAAAATGGAGAAGTATTTTATACAA[CTT>C]ATATGATCTGCTAGTGAATGAGATAAGTCATATAGGAAGTAGAGGAAAGTATTCTTCAGG-3'